The following is an entry in ClinVar:

NM_203446.3(SYNJ1):c.3009A>C (p.Ala1003=)

Gene: SYNJ1 (synaptojanin 1; minus strand). Cytogenetic location: 21q22.11.
Variant type: single nucleotide variant.
Coding change: c.3009A>C on transcript NM_203446.3 (MANE Select); coding-DNA position 3009, A replaced by C.
Protein change: p.Ala1003=; no amino-acid change (alanine 1003 retained).
Molecular consequence: synonymous variant.
Genome position (GRCh38, 1-based): chr21:32,650,212, T>G on the plus strand (A>C on the coding strand, the complement: SYNJ1 is on the minus strand). VCF-style: chr21-32650212-T-G. GRCh37 (hg19) VCF-style: chr21-34022522-T-G.
Other names: c.3009A>C, p.Ala1003= (NM_001160302.2); c.2994A>C, p.Ala998= (NM_001160306.2); c.3126A>C, p.Ala1042= (NM_003895.4).
Identifiers: ClinVar variation 2672888 (VCV002672888.23), dbSNP rs746423701, ClinGen allele CA10003530.

ClinVar aggregate classification (germline): Likely benign (1 of 4 stars; one submission).

Allele frequency attached by ClinVar (database versions not stated): TOPMed below 0.00001; gnomAD 0.00001; ExAC 0.00002.
gnomAD v4.1: 6 of 1,609,476 alleles (0.00037%); highest among the groups gnomAD compares: Middle Eastern, 0.016%; no homozygotes.

Submission:

CeGaT Center for Human Genetics Tuebingen
Classification: Likely benign. Last evaluated: 2023-11-01. Review status: criteria provided, single submitter. Criteria: CeGaT Center For Human Genetics Tuebingen Variant Classification Criteria Version 2. Collection method: clinical testing. Allele origin: germline. Affected: yes. Observed: 1 variant allele.
Comment: SYNJ1: BP4, BP7